The following is an entry in ClinVar:

NM_001204.7(BMPR2):c.2843T>C (p.Val948Ala)

Gene: BMPR2 (bone morphogenetic protein receptor type 2; plus strand). Cytogenetic location: 2q33.2.
Variant type: single nucleotide variant.
Coding change: c.2843T>C on transcript NM_001204.7 (MANE Select); coding-DNA position 2843, T replaced by C.
Protein change: p.Val948Ala; replaces valine 948 with alanine.
Molecular consequence: missense variant.
Genome position (GRCh38, 1-based): chr2:202,556,508, T>C. VCF-style: chr2-202556508-T-C. GRCh37 (hg19) VCF-style: chr2-203421231-T-C.
Other names: short protein forms V948A.
Identifiers: ClinVar variation 3481289 (VCV003481289.1).
Genomic context (GRCh38, chr2:202,556,508, plus strand): 5'-GGCCATCAAAGCCCAGAAGAGCACAGAGGCCTAATTCTCTGGATCTTTCAGCCACAAATG[T>C]CCTGGATGGCAGCAGTATACAGAGTAAGTGGAGGGATCATATAATCTCTCCTGTGTGTCT-3'
Protein context (NP_001195.2, residues 938-958): PNSLDLSATN[Val948Ala]LDGSSIQIGE

ClinVar aggregate classification (germline): Uncertain significance (1 of 4 stars; one submission).

Conditions:
Inborn genetic diseases. Identifiers: MedGen C0950123, MeSH D030342.

gnomAD v4.1: 29 of 1,613,596 alleles (0.0018%); highest among the groups gnomAD compares: Non-Finnish European, 0.0024%; no homozygotes.

Submission:

Ambry Genetics
Classification: Uncertain significance for Inborn genetic diseases. Last evaluated: 2024-11-24. Review status: criteria provided, single submitter. Criteria: Ambry Variant Classification Scheme 2023. Collection method: clinical testing. Allele origin: germline.
Comment: The p.V948A variant (also known as c.2843T>C), located in coding exon 12 of the BMPR2 gene, results from a T to C substitution at nucleotide position 2843. The valine at codon 948 is replaced by alanine, an amino acid with similar properties. This amino acid position is conserved. In addition, this alteration is predicted to be tolerated by in silico analysis. Based on the available evidence, the clinical significance of this variant remains unclear.